The following is an entry in ClinVar:

ClinVar aggregate classification (germline): Pathogenic/Likely pathogenic. Review status: criteria provided, multiple submitters, no conflicts (2 of 4 stars). 16 submissions from 16 submitters: Pathogenic (14); Likely pathogenic (1). 1 of the submissions does not count toward it. Last evaluated 2026-07-22.

Conditions:
Joubert syndrome and related disorders. Identifiers: Orphanet 140874, MedGen C5679612, MONDO:0015369.
Meckel syndrome, type 3 (MKS3). Also called: MECKEL-GRUBER SYNDROME, TYPE 3. Identifiers: Orphanet 564, MedGen C1846357, MONDO:0011821, OMIM 607361.
Nephronophthisis 11 (NPHP11). Identifiers: Orphanet 84081, MedGen C3150796, MONDO:0013302, OMIM 613550.
Joubert syndrome 6 (JBTS6). Identifiers: Orphanet 475, MedGen C1853153, MONDO:0012539, OMIM 610688.
RHYNS syndrome. Also called: RETINITIS PIGMENTOSA SYNDROME; RETINITIS PIGMENTOSA, HYPOPITUITARISM, NEPHRONOPHTHISIS, AND MILD SKELETAL DYSPLASIA. Identifiers: Orphanet 140976, MedGen C1865794, MONDO:0011202, OMIM 602152.
Bardet-Biedl syndrome 14 (BBS14). Identifiers: Orphanet 110, MedGen C2673874, MONDO:0014442, OMIM 615991.
COACH syndrome 1. Identifiers: Orphanet 1454, MedGen C5435651, MONDO:0800103, OMIM 216360, MONDO:0008996.
TMEM67-related disorder. Also called: TMEM67-related disorders; TMEM67-related condition. Identifiers: MedGen CN239423.
Meckel-Gruber syndrome. Also called: Dysencephalia splachnocystica; DYSENCEPHALIA SPLANCHNOCYSTICA; GRUBER SYNDROME. Identifiers: Orphanet 564, MedGen C0265215, MONDO:0018921.
Joubert syndrome. Also called: Familial aplasia of the vermis; JOUBERT-BOLTSHAUSER SYNDROME. Identifiers: Orphanet 475, MedGen C5979921, MONDO:0018772.

Allele frequency attached by ClinVar (database versions not stated): gnomAD 0.00006; TOPMed 0.00006; gnomAD exomes 0.00015 and 0.00019; ExAC 0.00030.

Submissions 1 to 11 of 16:

PreventionGenetics, part of Exact Sciences
Classification: Pathogenic for TMEM67-related condition. Last evaluated: 2026-07-22. Review status: criteria provided, single submitter. Criteria: ACMG Guidelines, 2015. Collection method: clinical testing. Allele origin: germline.
Comment: The TMEM67 c.579_580delAG variant is predicted to result in a frameshift and premature protein termination (p.Gly195Ilefs*13). This variant has been reported in the homozygous and compound heterozygous states in multiple individuals with Joubert syndrome and related disorders (Brancati et al. 2009. PubMed ID: 19058225; Iannicelli et al. 2010. PubMed ID: 20232449; Bachmann-Gagescu et al. 2015. PubMed ID: 26092869; Watson et al. 2016. PubMed ID: 26729329; Summers et al 2017. PubMed ID: 28497568). This variant is reported in 0.048% of alleles in individuals of Ashkenazi Jewish descent in gnomAD. Frameshift variants in TMEM67 are expected to be pathogenic. This variant is interpreted as pathogenic.

Labcorp Genetics (formerly Invitae), Labcorp
Classification: Pathogenic for Joubert syndrome; Meckel-Gruber syndrome. Last evaluated: 2026-01-11. Review status: criteria provided, single submitter. Criteria: Invitae Variant Classification Sherloc (09022015). Collection method: clinical testing. Allele origin: germline.
Comment: This sequence change creates a premature translational stop signal (p.Gly195Ilefs*13) in the TMEM67 gene. It is expected to result in an absent or disrupted protein product. Loss-of-function variants in TMEM67 are known to be pathogenic (PMID: 20232449, 23559409). This variant is present in population databases (rs386834202, gnomAD 0.05%). This premature translational stop signal has been observed in individual(s) with Joubert syndrome, COACH syndrome or Meckel-Gruber syndrome (PMID: 19058225, 20232449, 23559409, 26092869, 26729329, 28431631). ClinVar contains an entry for this variant (Variation ID: 56783). For these reasons, this variant has been classified as Pathogenic.

Fulgent Genetics
Classification: Pathogenic for COACH syndrome 1; RHYNS syndrome; Meckel syndrome, type 3; Joubert syndrome 6; Nephronophthisis 11; Bardet-Biedl syndrome 14. Last evaluated: 2024-04-17. Review status: criteria provided, single submitter. Criteria: ACMG Guidelines, 2015. Collection method: clinical testing. Allele origin: germline.

Revvity Omics, Revvity
Classification: Pathogenic. Last evaluated: 2024-03-26. Review status: criteria provided, single submitter. Criteria: ACMG Guidelines, 2015. Collection method: clinical testing. Allele origin: germline.

Women's Health and Genetics/Laboratory Corporation of America, LabCorp
Classification: Pathogenic for Joubert syndrome and related disorders. Last evaluated: 2023-11-30. Review status: criteria provided, single submitter. Criteria: LabCorp Variant Classification Summary - May 2015. Collection method: clinical testing. Allele origin: germline.
Comment: Variant summary: TMEM67 c.579_580delAG (p.Gly195IlefsX13) results in a premature termination codon, predicted to cause a truncation of the encoded protein or absence of the protein due to nonsense mediated decay, which are commonly known mechanisms for disease. The variant allele was found at a frequency of 0.00019 in 251350 control chromosomes. This frequency is not significantly higher than estimated for a pathogenic variant in TMEM67 causing Joubert Syndrome And Related Disorders (0.00019 vs 0.0018), allowing no conclusion about variant significance. c.579_580delAG has been reported in the literature in individuals affected with Joubert Syndrome including compound heterozygote genotypes (e.g. Fleming_2017) and in a homozygous fetus from a Meckel syndrome family (e.g. Iannicelli_2010). These data indicate that the variant is likely to be associated with disease. To our knowledge, no experimental evidence demonstrating an impact on protein function has been reported. The following publications have been ascertained in the context of this evaluation (PMID: 20232449, 29146704). Six submitters have cited clinical-significance assessments for this variant to ClinVar after 2014, classifying the variant as pathogenic (n=5) or likely pathogenic (n=1). Based on the evidence outlined above, the variant was classified as pathogenic.

Blueprint Genetics
Classification: Pathogenic for TMEM67-related disorders. Last evaluated: 2023-11-06. Review status: criteria provided, single submitter. Criteria: ACMG Guidelines, 2015. Collection method: clinical testing. Allele origin: germline. Affected: yes. Observed: 5 variant alleles.

New York Genome Center
Classification: Pathogenic for Meckel syndrome, type 3; Joubert syndrome 6; COACH syndrome 1; Nephronophthisis 11. Last evaluated: 2023-08-15. Review status: criteria provided, single submitter. Criteria: NYGC Assertion Criteria 2020. Collection method: clinical testing. Allele origin: inherited. Affected: yes. Observed: 1 variant allele, 1 homozygote.
Comment: The c.579_580del variant in TMEM67 has previously been reported in compound heterozygous and homozygous state in multiple individuals with TMEM67-related disorders [PMID:19058225, 20232449, 23559409, 26729329, 30712878, 31974414, others]. The c.579_580del variant has been deposited in ClinVar [ClinVar ID:56783] as Pathogenic/ Likely Pathogenic and is observed in 67 alleles (~0.011% minor allele frequency with 0 homozygotes) in population databases (gnomAD v2.1.1and v3.1.2, TOPMed Freeze 8), suggesting it is not a common benign variant in the populations represented in those databases. The c.579_580del variant in TMEM67is located in exon 6 of this 28-exon gene, predicted to incorporate a premature termination codon (p.(Gly195IlefsTer13)), and is expected to result in loss-of-functionvia nonsense mediated decay. Multiple loss-of-function variants downstream to the c.579_580del variant have been reported in the literature in individuals with TMEM67 related disorders [PMID: 20232449] and in ClinVar [ClinVar IDs: 56772, 282355, 419632, others]. Based on available evidence the c.579_580del, p. (Gly195IlefsTer13) variant identified in the TMEM67 gene is classified as Pathogenic.

GeneDx
Classification: Pathogenic. Last evaluated: 2023-01-31. Review status: criteria provided, single submitter. Criteria: GeneDx Variant Classification Process June 2021. Collection method: clinical testing. Allele origin: germline. Affected: yes.
Comment: Observed in the homozygous state or with another variant in the TMEM67 gene in multiple patients with Joubert syndrome and related disorders in published literature (Brancati et al., 2009; Iannicelli et al., 2010; Watson et al., 2016; Summers et al., 2017); Frameshift variant predicted to result in protein truncation or nonsense mediated decay in a gene for which loss-of-function is a known mechanism of disease; This variant is associated with the following publications: (PMID: 20232449, 29146704, 31974414, 28431631, 19058225, 28497568, 12368986, 26729329, 30712878, 26092869, 23559409, 31980526, 33432080, 31589614)

Baylor Genetics
Classification: Pathogenic for Meckel syndrome, type 3. Last evaluated: 2022-03-30. Review status: criteria provided, single submitter. Criteria: ACMG Guidelines, 2015. Collection method: clinical testing. Allele origin: unknown.

Department of Medical Genetics, Sanjay Gandhi Post Graduate Institute of Medical Sciences
Classification: Pathogenic for Meckel syndrome, type 3. Last evaluated: 2022-01-27. Review status: criteria provided, single submitter. Criteria: ACMG Guidelines, 2015. Collection method: research. Allele origin: inherited. Inheritance: Autosomal recessive inheritance. Affected: yes. Observed: 1 homozygote.
Comment: Loss-of-function variants in TMEM67 are known to be pathogenic (PMID: 20232449, 23559409). This variant is present in population databases (rs386834202, gnomAD 0.05%). This premature translational stop signal has been observed in individual(s) with Joubert syndrome, COACH syndrome or Meckel-Gruber syndrome (PMID: 19058225, 20232449, 23559409, 26092869, 26729329, 28431631). Given these evidences, this variant is classified as pathogenic (PVS1+PM2+PM3).

Center for Pediatric Genomic Medicine, Children's Mercy Hospital and Clinics
Classification: Pathogenic. Last evaluated: 2017-05-30. Review status: criteria provided, single submitter. Criteria: ACMG Guidelines, 2015. Collection method: clinical testing. Allele origin: germline.

NM_153704.6(TMEM67):c.579_580del (p.Gly195fs)

Gene: TMEM67 (transmembrane protein 67; plus strand). Cytogenetic location: 8q22.1.
Variant type: Deletion.
Coding change: c.579_580del on transcript NM_153704.6 (MANE Select); coding-DNA positions 579 to 580, 2 bases deleted (AG; older notation c.579_580delAG).
Protein change: p.Gly195fs; shifts the reading frame from glycine 195.
Molecular consequence: frameshift variant. On other transcripts: non-coding transcript variant (1).
Genome position (GRCh38, 1-based): chr8:93,765,574-93,765,575, AG deleted. VCF-style (leftmost placement, unchanged base first): chr8-93765573-CAG-C. GRCh37 (hg19) VCF-style: chr8-94777801-CAG-C.
Other names: c.336_337del, p.Gly114fs (NM_001142301.1); c.579_580delAG (NM_153704.5, NM_153704.6); short protein forms G195fs, G114fs.
Identifiers: ClinVar variation 56783 (VCV000056783.36), dbSNP rs386834202, ClinGen allele CA144492.
Genomic context (GRCh38, chr8:93,765,573, plus strand): 5'-AATTCAGTTGCTTATGCCTTTTCATAAGCTTCTATTTTTTCCCTCATTTATTTATGAAGA[CAG>C]GGGGATTATGTTTCAGCAGCACAGGGAATTTTCCTCTACGTAGAATTTCAGCTGCACGTT-3'